The following is an entry in ClinVar:

NM_001854.4(COL11A1):c.4621G>A (p.Glu1541Lys)

Gene: COL11A1 (collagen type XI alpha 1 chain; minus strand). Cytogenetic location: 1p21.1.
Variant type: single nucleotide variant.
Coding change: c.4621G>A on transcript NM_001854.4 (MANE Select); coding-DNA position 4621, G replaced by A.
Protein change: p.Glu1541Lys; replaces glutamic acid 1541 with lysine.
Molecular consequence: missense variant. On other transcripts: non-coding transcript variant (1).
Genome position (GRCh38, 1-based): chr1:102,887,044, C>T on the plus strand (G>A on the coding strand, the complement: COL11A1 is on the minus strand). VCF-style: chr1-102887044-C-T. GRCh37 (hg19) VCF-style: chr1-103352600-C-T.
Other names: c.4504G>A, p.Glu1502Lys (NM_001190709.2); c.4657G>A, p.Glu1553Lys (NM_080629.3); c.4273G>A, p.Glu1425Lys (NM_080630.4); short protein forms E1425K, E1541K, E1502K, E1553K.
Identifiers: ClinVar variation 1520440 (VCV001520440.8), dbSNP rs2100841350, ClinGen allele CA341212226.

ClinVar aggregate classification (germline): Uncertain significance (1 of 4 stars; one submission).

Submission:

Labcorp Genetics (formerly Invitae), Labcorp
Classification: Uncertain significance. Last evaluated: 2022-02-24. Review status: criteria provided, single submitter. Criteria: Invitae Variant Classification Sherloc (09022015). Collection method: clinical testing. Allele origin: germline.
Comment: In summary, the available evidence is currently insufficient to determine the role of this variant in disease. Therefore, it has been classified as a Variant of Uncertain Significance. Advanced modeling of protein sequence and biophysical properties (such as structural, functional, and spatial information, amino acid conservation, physicochemical variation, residue mobility, and thermodynamic stability) performed at Invitae indicates that this missense variant is not expected to disrupt COL11A1 protein function. This variant has not been reported in the literature in individuals affected with COL11A1-related conditions. This variant is not present in population databases (gnomAD no frequency). This sequence change replaces glutamic acid, which is acidic and polar, with lysine, which is basic and polar, at codon 1541 of the COL11A1 protein (p.Glu1541Lys).